The following is an entry in ClinVar:

NM_024809.5(TCTN2):c.267G>T (p.Ala89=)

Gene: TCTN2 (tectonic family member 2; plus strand). Cytogenetic location: 12q24.31.
Variant type: single nucleotide variant.
Coding change: c.267G>T on transcript NM_024809.5 (MANE Select); coding-DNA position 267, G replaced by T.
Protein change: p.Ala89=; no amino-acid change (alanine 89 retained).
Molecular consequence: synonymous variant.
Genome position (GRCh38, 1-based): chr12:123,672,132, G>T. VCF-style: chr12-123672132-G-T. GRCh37 (hg19) VCF-style: chr12-124156679-G-T.
Other names: c.267G>T, p.Ala89= (NM_001143850.3, NM_001410989.1).
Identifiers: ClinVar variation 2110996 (VCV002110996.4), dbSNP rs775250997, ClinGen allele CA482266060.
Genomic context (GRCh38, chr12:123,672,132, plus strand): 5'-GACGTGTGGAGTGCTGAACAATGAGACGGAAGACTGGAGCGTGACTGTGATCCCCGGTGC[G>T]GTAAGGCCAGAAGTAAACCTTCTCTGTAGCCTGTGAAGAGGCCCCCAGCTAGGGTTTCTG-3'
Protein context (NP_079085.2, residues 79-99): EDWSVTVIPG[Ala89=]KVLEVTVRWK

ClinVar aggregate classification (germline): Uncertain significance (1 of 4 stars; one submission).

Conditions:
Joubert syndrome. Also called: CEREBELLOPARENCHYMAL DISORDER IV; JOUBERT-BOLTSHAUSER SYNDROME; Familial aplasia of the vermis. Identifiers: Orphanet 475, MedGen C5979921, MONDO:0018772.
Meckel-Gruber syndrome. Also called: DYSENCEPHALIA SPLANCHNOCYSTICA; GRUBER SYNDROME; Dysencephalia splachnocystica. Identifiers: Orphanet 564, MedGen C0265215, MONDO:0018921.

Submission:

Labcorp Genetics (formerly Invitae), Labcorp
Classification: Uncertain significance for Joubert syndrome; Meckel-Gruber syndrome. Last evaluated: 2023-06-13. Review status: criteria provided, single submitter. Criteria: Invitae Variant Classification Sherloc (09022015). Collection method: clinical testing. Allele origin: germline.
Comment: This sequence change affects codon 89 of the TCTN2 mRNA. It is a 'silent' change, meaning that it does not change the encoded amino acid sequence of the TCTN2 protein. This variant also falls at the last nucleotide of exon 3, which is part of the consensus splice site for this exon. This variant is not present in population databases (gnomAD no frequency). This variant has not been reported in the literature in individuals affected with TCTN2-related conditions. ClinVar contains an entry for this variant (Variation ID: 2110996). Variants that disrupt the consensus splice site are a relatively common cause of aberrant splicing (PMID: 17576681, 9536098). Algorithms developed to predict the effect of sequence changes on RNA splicing suggest that this variant may disrupt the consensus splice site. In summary, the available evidence is currently insufficient to determine the role of this variant in disease. Therefore, it has been classified as a Variant of Uncertain Significance.

Literature cited by the submitters: PubMed 17576681; PubMed 9536098.